The following is an entry in ClinVar:

ClinVar aggregate classification (germline): Uncertain significance. Review status: criteria provided, multiple submitters, no conflicts (2 of 4 stars). 2 submissions from 2 submitters: Uncertain significance (2). Last evaluated 2026-07-01.

Allele frequency attached by ClinVar (database versions not stated): gnomAD exomes 0.00002; gnomAD 0.00004; TOPMed 0.00004; ExAC 0.00005; 1000 Genomes Project 30x 0.00016.

Submissions (2):

CeGaT Center for Human Genetics Tuebingen
Classification: Uncertain significance. Last evaluated: 2026-07-01. Review status: criteria provided, single submitter. Criteria: CeGaT Center For Human Genetics Tuebingen Variant Classification Criteria Version 2. Collection method: clinical testing. Allele origin: germline. Affected: yes. Observed: 1 variant allele.
Comment: CEP295: PM2, BP4

Ambry Genetics
Classification: Uncertain significance. Last evaluated: 2021-07-15. Review status: criteria provided, single submitter. Criteria: Ambry Variant Classification Scheme 2023. Collection method: clinical testing. Allele origin: germline.

NM_033395.2(CEP295):c.1352C>G (p.Thr451Arg)

Gene: CEP295 (centrosomal protein 295; plus strand). Cytogenetic location: 11q21.
Variant type: single nucleotide variant.
Coding change: c.1352C>G on transcript NM_033395.2 (MANE Select); coding-DNA position 1352, C replaced by G.
Protein change: p.Thr451Arg; replaces threonine 451 with arginine.
Molecular consequence: missense variant.
Genome position (GRCh38, 1-based): chr11:93,691,698, C>G. VCF-style: chr11-93691698-C-G. GRCh37 (hg19) VCF-style: chr11-93424864-C-G.
Other names: short protein forms T451R.
Identifiers: ClinVar variation 2392460 (VCV002392460.4), dbSNP rs370752519, ClinGen allele CA6230456.